The following is an entry in ClinVar:

ClinVar aggregate classification (germline): Conflicting classifications of pathogenicity. Review status: criteria provided, conflicting classifications (1 of 4 stars). 6 submissions from 6 submitters: Pathogenic (2); Likely pathogenic (2); Uncertain significance (2). Last evaluated 2026-09-01.

Conditions:
CDHR1-related disorder. Also called: CDHR1-related condition.
Cone-rod dystrophy 15 (CORD15). Identifiers: MedGen C3150912, MONDO:0013348, OMIM 613660.
CDHR1-related disorders.
Retinal disorder. Also called: Retinopathies; Retinal Diseases; Retinal disorders; Retinopathy. Identifiers: MedGen C0035309, MONDO:0005283, HP:0000488.

Allele frequency attached by ClinVar (database versions not stated): gnomAD 0.00005 and 0.00006; TOPMed 0.00005; gnomAD exomes 0.00006; ExAC 0.00007.
gnomAD v4.1: 200 of 1,610,118 alleles (0.012%); highest among the groups gnomAD compares: Non-Finnish European, 0.016%; 1 homozygote.

Submissions (6):

PreventionGenetics, part of Exact Sciences
Classification: Uncertain significance for CDHR1-related condition. Last evaluated: 2026-09-01. Review status: criteria provided, single submitter. Criteria: ACMG Guidelines, 2015. Collection method: clinical testing. Allele origin: germline.
Comment: The CDHR1 c.562G>A variant is predicted to result in the amino acid substitution p.Gly188Ser. This variant was reported in the compound heterozygous state in three siblings affected with macular dystrophy (Ba-Abbad et al. 2020. PubMed ID: 32681094). This was also reported in a large cohort of individuals with retinal disease (Table S2, Suga et al. 2022. PubMed ID: 36284460). Lastly, this variant was described, along with a second potentially causative variant in the same gene, in an individual with retinal disease (Table S1, Lin et al. 2024. PubMed ID: 38219857). This variant is reported in 0.013% of alleles in individuals of European (Non-Finnish) descent in gnomAD. Although we suspect that this variant could be pathogenic, the clinical significance of this variant is currently classified as uncertain due to the absence of conclusive functional and genetic evidence.

Labcorp Genetics (formerly Invitae), Labcorp
Classification: Pathogenic. Last evaluated: 2025-07-21. Review status: criteria provided, single submitter. Criteria: Invitae Variant Classification Sherloc (09022015). Collection method: clinical testing. Allele origin: germline.
Comment: This sequence change replaces glycine, which is neutral and non-polar, with serine, which is neutral and polar, at codon 188 of the CDHR1 protein (p.Gly188Ser). This variant is present in population databases (rs748412274, gnomAD 0.01%). This missense change has been observed in individual(s) with inherited retinal dystrophy (PMID: 32681094, 36284460; internal data). In at least one individual the data is consistent with being in trans (on the opposite chromosome) from a pathogenic variant. ClinVar contains an entry for this variant (Variation ID: 960758). Invitae Evidence Modeling of protein sequence and biophysical properties (such as structural, functional, and spatial information, amino acid conservation, physicochemical variation, residue mobility, and thermodynamic stability) indicates that this missense variant is not expected to disrupt CDHR1 protein function with a negative predictive value of 80%. For these reasons, this variant has been classified as Pathogenic.

Revvity Omics, Revvity
Classification: Likely pathogenic for Cone-rod dystrophy 15. Last evaluated: 2025-06-11. Review status: criteria provided, single submitter. Criteria: ACMG Guidelines, 2015. Collection method: clinical testing. Allele origin: germline.

North West Genomic Laboratory Hub, Manchester University NHS Foundation Trust
Classification: Likely pathogenic for Retinal disorders. Last evaluated: 2025-04-11. Review status: criteria provided, single submitter. Criteria: ACGS Best Practice Guidelines for Variant Classification in Rare Disease 2024. Collection method: clinical testing. Allele origin: germline. Affected: yes.
Comment: PP3_Supp PM2_Mod PM3_Str

Blueprint Genetics
Classification: Pathogenic for CDHR1-related disorders. Last evaluated: 2024-10-18. Review status: criteria provided, single submitter. Criteria: ACMG Guidelines, 2015. Collection method: clinical testing. Allele origin: germline. Affected: yes. Observed: 5 variant alleles.

Department of Pathology and Laboratory Medicine, Sinai Health System
Classification: Uncertain significance for Cone-rod dystrophy 15. Last evaluated: 2023-01-23. Review status: criteria provided, single submitter. Criteria: ACMG Guidelines, 2015. Collection method: research. Allele origin: germline.

Literature cited by the submitters: PubMed 32681094 (cited by Labcorp Genetics (formerly Invitae), Labcorp); PubMed 36284460 (cited by Labcorp Genetics (formerly Invitae), Labcorp).

NM_033100.4(CDHR1):c.562G>A (p.Gly188Ser)

Gene: CDHR1 (cadherin related family member 1; plus strand). Cytogenetic location: 10q23.1.
Variant type: single nucleotide variant.
Coding change: c.562G>A on transcript NM_033100.4 (MANE Select); coding-DNA position 562, G replaced by A.
Protein change: p.Gly188Ser; replaces glycine 188 with serine.
Molecular consequence: missense variant.
Genome position (GRCh38, 1-based): chr10:84,201,843, G>A. VCF-style: chr10-84201843-G-A. GRCh37 (hg19) VCF-style: chr10-85961599-G-A.
Other names: c.562G>A, p.Gly188Ser (NM_001171971.3); short protein forms G188S.
Identifiers: ClinVar variation 960758 (VCV000960758.15), dbSNP rs748412274, ClinGen allele CA5579591.